The following is an entry in ClinVar:

ClinVar aggregate classification (germline): Uncertain significance (1 of 4 stars; one submission).

Submission:

Mayo Clinic Laboratories, Mayo Clinic
Classification: Uncertain significance. Last evaluated: 2025-03-18. Review status: criteria provided, single submitter. Criteria: ACMG Guidelines, 2015. Collection method: clinical testing. Allele origin: germline. Observed: 1 variant allele.
Comment: BP4_moderate

NM_002936.6(RNASEH1):c.13C>G (p.Leu5Val)

Genes: RNASEH1 (ribonuclease H1; minus strand), LOC129933002 (ATAC-STARR-seq lymphoblastoid active region 15231; plus strand). Cytogenetic location: 2p25.3.
Variant type: single nucleotide variant.
Coding change: c.13C>G on transcript NM_002936.6 (MANE Select); coding-DNA position 13, C replaced by G.
Protein change: p.Leu5Val; replaces leucine 5 with valine.
Molecular consequence: missense variant. On other transcripts: non-coding transcript variant (7), 5 prime UTR variant (2).
Genome position (GRCh38, 1-based): chr2:3,558,248, G>C on the plus strand (C>G on the coding strand, the complement: RNASEH1 is on the minus strand). VCF-style: chr2-3558248-G-C. GRCh37 (hg19) VCF-style: chr2-3605838-G-C.
Other names: p.Leu5Val; c.-66C>G (NM_001286834.3); c.-577C>G (NM_001286837.3); c.13C>G, p.Leu5Val (NM_001378271.1, NM_001378272.1, NM_001378273.1); short protein forms L5V.
Identifiers: ClinVar variation 4542530 (VCV004542530.1).